The following is an entry in ClinVar:

NM_000059.4(BRCA2):c.7183C>G (p.His2395Asp)

Gene: BRCA2 (BRCA2 DNA repair associated; plus strand). Cytogenetic location: 13q13.1.
Variant type: single nucleotide variant.
Coding change: c.7183C>G on transcript NM_000059.4 (MANE Select); coding-DNA position 7183, C replaced by G.
Protein change: p.His2395Asp; replaces histidine 2395 with aspartic acid.
Molecular consequence: missense variant. On other transcripts: non-coding transcript variant (1).
Genome position (GRCh38, 1-based): chr13:32,355,036, C>G. VCF-style: chr13-32355036-C-G. GRCh37 (hg19) VCF-style: chr13-32929173-C-G.
Other names: c.7087C>G, p.His2363Asp (NM_001406719.1); c.7183C>G, p.His2395Asp (NM_001406720.1, NM_001432077.1); c.2251C>G, p.His751Asp (NM_001406721.1); c.766C>G, p.His256Asp (NM_001406722.1); short protein forms H2363D, H2395D, H256D, H751D.
Identifiers: ClinVar variation 3992758 (VCV003992758.1).
Genomic context (GRCh38, chr13:32,355,036, plus strand): 5'-TTAGCAGTTTCAGGACATCCATTTTATCAAGTTTCTGCTACAAGAAATGAAAAAATGAGA[C>G]ACTTGATTACTACAGGCAGACCAACCAAAGTCTTTGTTCCACCTTTTAAAACTAAATCAC-3'
Protein context (NP_000050.3, residues 2385-2405): VSATRNEKMR[His2395Asp]LITTGRPTKV

ClinVar aggregate classification (germline): Uncertain significance (1 of 4 stars; one submission).

Conditions:
Hereditary cancer-predisposing syndrome. Also called: Tumor predisposition; Hereditary neoplastic syndrome; Neoplastic Syndromes, Hereditary; Hereditary Cancer Syndrome. Identifiers: Orphanet 140162, MedGen C0027672, MeSH D009386, MONDO:0015356.

Submission:

Ambry Genetics
Classification: Uncertain significance for Hereditary cancer-predisposing syndrome. Last evaluated: 2025-04-07. Review status: criteria provided, single submitter. Criteria: Ambry Variant Classification Scheme 2023. Collection method: clinical testing. Allele origin: germline.
Comment: The p.H2395D variant (also known as c.7183C>G), located in coding exon 13 of the BRCA2 gene, results from a C to G substitution at nucleotide position 7183. The histidine at codon 2395 is replaced by aspartic acid, an amino acid with similar properties. This amino acid position is not well conserved in available vertebrate species. In addition, this alteration is predicted to be tolerated by in silico analysis. Based on the available evidence, the clinical significance of this variant remains unclear.